The following is an entry in ClinVar:

NM_000712.4(BLVRA):c.127G>A (p.Val43Met)

Gene: BLVRA (biliverdin reductase A; plus strand). Cytogenetic location: 7p13.
Variant type: single nucleotide variant.
Coding change: c.127G>A on transcript NM_000712.4 (MANE Select); coding-DNA position 127, G replaced by A.
Protein change: p.Val43Met; replaces valine 43 with methionine.
Molecular consequence: missense variant.
Genome position (GRCh38, 1-based): chr7:43,788,018, G>A. VCF-style: chr7-43788018-G-A. GRCh37 (hg19) VCF-style: chr7-43827617-G-A.
Other names: c.127G>A, p.Val43Met (NM_001253823.2); short protein forms V43M.
Identifiers: ClinVar variation 3705938 (VCV003705938.2).

ClinVar aggregate classification (germline): Uncertain significance (1 of 4 stars; one submission).

Submission:

Labcorp Genetics (formerly Invitae), Labcorp
Classification: Uncertain significance. Last evaluated: 2024-08-07. Review status: criteria provided, single submitter. Criteria: Invitae Variant Classification Sherloc (09022015). Collection method: clinical testing. Allele origin: germline.
Comment: This sequence change replaces valine, which is neutral and non-polar, with methionine, which is neutral and non-polar, at codon 43 of the BLVRA protein (p.Val43Met). This variant is present in population databases (rs183114141, gnomAD 0.04%). This variant has not been reported in the literature in individuals affected with BLVRA-related conditions. An algorithm developed to predict the effect of missense changes on protein structure and function (PolyPhen-2) suggests that this variant is likely to be disruptive. In summary, the available evidence is currently insufficient to determine the role of this variant in disease. Therefore, it has been classified as a Variant of Uncertain Significance.